The following is an entry in ClinVar:

NM_025137.4(SPG11):c.3184C>G (p.Gln1062Glu)

Gene: SPG11 (SPG11 vesicle trafficking associated, spatacsin; minus strand). Cytogenetic location: 15q21.1.
Variant type: single nucleotide variant.
Coding change: c.3184C>G on transcript NM_025137.4 (MANE Select); coding-DNA position 3184, C replaced by G.
Protein change: p.Gln1062Glu; replaces glutamine 1062 with glutamic acid.
Molecular consequence: missense variant.
Genome position (GRCh38, 1-based): chr15:44,610,947, G>C on the plus strand (C>G on the coding strand, the complement: SPG11 is on the minus strand). VCF-style: chr15-44610947-G-C. GRCh37 (hg19) VCF-style: chr15-44903145-G-C.
Other names: c.3184C>G, p.Gln1062Glu (NM_001160227.2, NM_001411132.1); short protein forms Q1062E.
Identifiers: ClinVar variation 1899706 (VCV001899706.4), dbSNP rs370252831, ClinGen allele CA270064667.

ClinVar aggregate classification (germline): Uncertain significance (1 of 4 stars; one submission).

Conditions:
Hereditary spastic paraplegia 11. Also called: SPASTIC PARAPLEGIA, AUTOSOMAL RECESSIVE, COMPLICATED, WITH THIN CORPUS CALLOSUM; SPASTIC PARAPLEGIA, AUTOSOMAL RECESSIVE, WITH MENTAL IMPAIRMENT AND THIN CORPUS CALLOSUM; Spastic paraplegia, mental retardation and thin corpus callosum; Spastic Paraplegia 11; Nakamura Osame syndrome; Autosomal recessive hereditary spastic paraplegia, mental impairment, and thin corpus callosum. Identifiers: Orphanet 2822, MedGen C1858479, MONDO:0011445, OMIM 604360.

Allele frequency attached by ClinVar (database versions not stated): gnomAD exomes below 0.00001; TOPMed below 0.00001; gnomAD 0.00001; ESP Exome Variant Server 0.00008.
gnomAD v4.1: 5 of 1,613,864 alleles (0.00031%); highest among the groups gnomAD compares: African/African-American, 0.004%; no homozygotes.

Submission:

Labcorp Genetics (formerly Invitae), Labcorp
Classification: Uncertain significance for Hereditary spastic paraplegia 11. Last evaluated: 2022-01-17. Review status: criteria provided, single submitter. Criteria: Invitae Variant Classification Sherloc (09022015). Collection method: clinical testing. Allele origin: germline.
Comment: This sequence change replaces glutamine, which is neutral and polar, with glutamic acid, which is acidic and polar, at codon 1062 of the SPG11 protein (p.Gln1062Glu). This variant is present in population databases (rs370252831, gnomAD 0.007%). This variant has not been reported in the literature in individuals affected with SPG11-related conditions. Algorithms developed to predict the effect of missense changes on protein structure and function are either unavailable or do not agree on the potential impact of this missense change (SIFT: "Deleterious"; PolyPhen-2: "Benign"; Align-GVGD: "Class C0"). In summary, the available evidence is currently insufficient to determine the role of this variant in disease. Therefore, it has been classified as a Variant of Uncertain Significance.